The following is an entry in ClinVar:

NM_181784.3(SPRED2):c.801dup (p.Tyr268fs)

Gene: SPRED2 (sprouty related EVH1 domain containing 2; minus strand). Cytogenetic location: 2p14.
Variant type: Duplication.
Coding change: c.801dup on transcript NM_181784.3 (MANE Select); coding-DNA position 801, one base duplicated (C; older notation c.801dupC).
Protein change: p.Tyr268fs; shifts the reading frame from tyrosine 268.
Molecular consequence: frameshift variant.
Genome position (GRCh38, 1-based): chr2:65,313,957, G duplicated on the plus strand (C on the coding strand, the reverse complement: SPRED2 is on the minus strand); the first of 4 consecutive G bases (chr2:65,313,957-65,313,960); duplicating any one gives the same sequence. VCF-style (leftmost placement, unchanged base first): chr2-65313956-A-AG. GRCh37 (hg19) VCF-style: chr2-65541090-A-AG.
Other names: c.792dup, p.Tyr265fs (NM_001128210.2); short protein forms Y268fs, Y265fs.
Identifiers: ClinVar variation 5002816 (VCV005002816.1).
Genomic context (GRCh38, chr2:65,313,956, plus strand): 5'-TCACGCTGCCCCCGCGGCCTTTGGGGTCCTCGCCTAGGCCAAAGTCTGAGGAGTCCACGT[A>AG]GGGGTAGTTGTAGTCATGCTTGGGGACCTCGCCCTTGGCGAAGCGCACGTAGGAGGAGTC-3'

ClinVar aggregate classification (germline): Uncertain significance (1 of 4 stars; one submission).

Conditions:
Noonan syndrome 14 (NS14). Identifiers: MedGen C5676916, MONDO:0030679, OMIM 619745.

Submission:

OLLIN Analises Genomicas, OLLIN
Classification: Uncertain significance for Noonan syndrome 14. Last evaluated: 2026-08-06. Review status: criteria provided, single submitter. Criteria: ACMG Guidelines 2015 PMID 25741868. Collection method: clinical testing. Allele origin: germline. Inheritance: Autosomal recessive inheritance.
Comment: This frameshift variant, located in exon 6 (of 6), is absent from gnomAD and ClinVar and has not been identified in the literature. This variant causes a frameshift and introduces a premature stop codon, which is predicted to result in either a truncated protein or degradation of the mRNA via nonsense-mediated decay (NMD). According to the currently available evidence, this variant has been classified as uncertain significance (PVS1_M, PM2_P).